The following is an entry in ClinVar:

NM_000256.3(MYBPC3):c.505+1G>C

Gene: MYBPC3 (myosin binding protein C3; minus strand). Cytogenetic location: 11p11.2.
Variant type: single nucleotide variant.
Coding change: c.505+1G>C on transcript NM_000256.3 (MANE Select); the canonical splice donor site of the intron after coding-DNA position 505, G replaced by C.
Molecular consequence: splice donor variant.
Genome position (GRCh38, 1-based): chr11:47,350,013, C>G on the plus strand (G>C on the coding strand, the complement: MYBPC3 is on the minus strand). VCF-style: chr11-47350013-C-G. GRCh37 (hg19) VCF-style: chr11-47371564-C-G.
Identifiers: ClinVar variation 2004272 (VCV002004272.5), dbSNP rs730880620, ClinGen allele CA380338332.
Genomic context (GRCh38, chr11:47,350,013, plus strand): 5'-GGGGAGTGTCCTGCTGCCCCCCCTTCCCACCCCAATGCTGGGCACAGCAGCTCACACTCA[C>G]CCACGGTCACCTCGCCATCCTGTGGCCGCATCACGAAGAGGCCAATGGGGTCATCGGGGG-3'

ClinVar aggregate classification (germline): Likely pathogenic. Review status: criteria provided, multiple submitters, no conflicts (2 of 4 stars). 2 submissions from 2 submitters: Likely pathogenic (2). Last evaluated 2026-01-16.

Conditions:
Cardiomyopathy (CMYO). Also called: Cardiomyopathies. Identifiers: Orphanet 167848, MedGen C0878544, MONDO:0004994, HP:0001638. Inheritance: Various modes of inheritance.
Hypertrophic cardiomyopathy. Also called: HYPERTROPHIC MYOCARDIOPATHY. Identifiers: Orphanet 217569, MedGen C0007194, MeSH D002312, MONDO:0005045, HP:0001639.

Submissions (2):

Women's Health and Genetics/Laboratory Corporation of America, LabCorp
Classification: Likely pathogenic for Cardiomyopathy. Last evaluated: 2026-01-16. Review status: criteria provided, single submitter. Criteria: LabCorp Variant Classification Summary - May 2015. Collection method: clinical testing. Allele origin: germline.
Comment: Variant summary: MYBPC3 c.505+1G>C is located in a canonical splice-site and is predicted to affect mRNA splicing resulting in a significantly altered protein due to either exon skipping, shortening, or inclusion of intronic material. Variants that disrupt the consensus splice site are a relatively common cause of aberrant splicing and loss of MYBPC3 function. Several computational tools predict a significant impact on normal splicing: Four predict the variant abolishes a 5' splicing donor site. However, these predictions have yet to be confirmed by functional studies. The variant was absent in 168834 control chromosomes. To our knowledge, no occurrence of c.505+1G>C in individuals affected with MYBPC3-related conditions and no experimental evidence demonstrating its impact on protein function have been reported. ClinVar contains an entry for this variant (Variation ID: 2004272). Based on the evidence outlined above, the variant was classified as likely pathogenic.

Labcorp Genetics (formerly Invitae), Labcorp
Classification: Likely pathogenic for Hypertrophic cardiomyopathy. Last evaluated: 2025-09-22. Review status: criteria provided, single submitter. Criteria: Invitae Variant Classification Sherloc (09022015). Collection method: clinical testing. Allele origin: germline.
Comment: This sequence change affects a donor splice site in intron 4 of the MYBPC3 gene. It is expected to disrupt RNA splicing. Variants that disrupt the donor or acceptor splice site typically lead to a loss of protein function (PMID: 16199547), and loss-of-function variants in MYBPC3 are known to be pathogenic (PMID: 19574547). This variant is not present in population databases (gnomAD no frequency). Disruption of this splice site has been observed in individual(s) with hypertrophic cardiomyopathy and/or sudden death (PMID: 32841044, 34076677, 35626289). ClinVar contains an entry for this variant (Variation ID: 2004272). Algorithms developed to predict the effect of sequence changes on RNA splicing suggest that this variant may disrupt the consensus splice site. In summary, the currently available evidence indicates that the variant is pathogenic, but additional data are needed to prove that conclusively. Therefore, this variant has been classified as Likely Pathogenic.

Literature cited by the submitters: PubMed 16199547 (cited by Labcorp Genetics (formerly Invitae), Labcorp); PubMed 19574547 (cited by Labcorp Genetics (formerly Invitae), Labcorp); PubMed 32841044 (cited by Labcorp Genetics (formerly Invitae), Labcorp); PubMed 34076677 (cited by Labcorp Genetics (formerly Invitae), Labcorp); PubMed 35626289 (cited by Labcorp Genetics (formerly Invitae), Labcorp).